The following is an entry in ClinVar:

NM_138694.4(PKHD1):c.9163G>T (p.Gly3055Cys)

Gene: PKHD1 (PKHD1 ciliary IPT domain containing fibrocystin/polyductin; minus strand). Cytogenetic location: 6p12.3.
Variant type: single nucleotide variant.
Coding change: c.9163G>T on transcript NM_138694.4 (MANE Select); coding-DNA position 9163, G replaced by T.
Protein change: p.Gly3055Cys; replaces glycine 3055 with cysteine.
Molecular consequence: missense variant.
Genome position (GRCh38, 1-based): chr6:51,748,453, C>A on the plus strand (G>T on the coding strand, the complement: PKHD1 is on the minus strand). VCF-style: chr6-51748453-C-A. GRCh37 (hg19) VCF-style: chr6-51613251-C-A.
Other names: c.9163G>T, p.Gly3055Cys (NM_170724.3); short protein forms G3055C.
Identifiers: ClinVar variation 406886 (VCV000406886.10), dbSNP rs1060501355, ClinGen allele CA16612176.

ClinVar aggregate classification (germline): Uncertain significance. Review status: criteria provided, single submitter (1 of 4 stars). 2 submissions from 2 submitters: Uncertain significance (1). 1 of the submissions does not count toward it. Last evaluated 2016-11-17.

Conditions:
Autosomal recessive polycystic kidney disease (ARPKD). Also called: AR polycystic kidney disease. Identifiers: Orphanet 731, Orphanet 8378, MedGen C0085548, MeSH D017044, MONDO:0009889.

Allele frequency attached by ClinVar (database versions not stated): gnomAD exomes below 0.00001.
gnomAD v4.1: 2 of 1,613,944 alleles (0.00012%); highest among the groups gnomAD compares: Non-Finnish European, 0.00017%; no homozygotes.

Submissions (2):

Labcorp Genetics (formerly Invitae), Labcorp
Classification: Uncertain significance for Autosomal recessive polycystic kidney disease. Last evaluated: 2016-11-17. Review status: criteria provided, single submitter. Criteria: Invitae Variant Classification Sherloc (09022015). Collection method: clinical testing. Allele origin: germline.
Comment: In summary, this variant is a novel missense change with uncertain impact on protein function. It has been classified as a Variant of Uncertain Significance. Algorithms developed to predict the effect of missense changes on protein structure and function do not agree on the potential impact of this missense change (SIFT: "Deleterious"; PolyPhen-2: "Probably Damaging"; Align-GVGD: "Class C0"). This variant is not present in population databases (ExAC no frequency) and has not been reported in the literature in individuals with a PKHD1-related disease. This sequence change replaces glycine with cysteine at codon 3055 of the PKHD1 protein (p.Gly3055Cys). The glycine residue is moderately conserved and there is a large physicochemical difference between glycine and cysteine.

Natera, Inc.
Classification: Uncertain significance for Autosomal recessive polycystic kidney disease. Last evaluated: 2020-09-16. Review status: no assertion criteria provided. Collection method: clinical testing. Allele origin: germline. Not counted in ClinVar's aggregate classification.